The following is an entry in ClinVar:

NM_001429.4(EP300):c.5073G>A (p.Leu1691=)

Gene: EP300 (E1A binding protein p300; plus strand). Cytogenetic location: 22q13.2.
Variant type: single nucleotide variant.
Coding change: c.5073G>A on transcript NM_001429.4 (MANE Select); coding-DNA position 5073, G replaced by A.
Protein change: p.Leu1691=; no amino-acid change (leucine 1691 retained).
Molecular consequence: synonymous variant.
Genome position (GRCh38, 1-based): chr22:41,176,784, G>A. VCF-style: chr22-41176784-G-A. GRCh37 (hg19) VCF-style: chr22-41572788-G-A.
Other names: c.4995G>A, p.Leu1665= (NM_001362843.2).
Identifiers: ClinVar variation 3352007 (VCV003352007.1).
Genomic context (GRCh38, chr22:41,176,784, plus strand): 5'-ATGACTTAAATCTTGGAGAGTTTACGTGCACCTCCTGTTTTTTCCCTAGGATTATGACTT[G>A]TGTATCACCTGCTATAACACTAAAAACCATGACCACAAAATGGAGAAACTAGGCCTTGGC-3'
Protein context (NP_001420.2, residues 1681-1701): WHCTVCEDYD[Leu1691=]CITCYNTKNH

ClinVar aggregate classification (germline): Likely benign (0 of 4 stars; one submission).

Conditions:
EP300-related disorder. Also called: EP300-related disorders; EP300-related condition.

Submission:

PreventionGenetics, part of Exact Sciences
Classification: Likely benign for EP300-related condition. Last evaluated: 2022-12-12. Review status: no assertion criteria provided. Collection method: clinical testing. Allele origin: germline.
Comment: This variant is classified as likely benign based on ACMG/AMP sequence variant interpretation guidelines (Richards et al. 2015 PMID: 25741868, with internal and published modifications).